The following is an entry in ClinVar:

ClinVar aggregate classification (germline): Uncertain significance (1 of 4 stars; one submission).

Conditions:
Early-infantile DEE. Also called: Ohtahara syndrome; Early infantile epileptic encephalopathy with suppression bursts; Early infantile epileptic encephalopathy. Identifiers: Orphanet 1934, MedGen C0393706, MONDO:0800491.

Submission:

Labcorp Genetics (formerly Invitae), Labcorp
Classification: Uncertain significance for Early-infantile DEE. Last evaluated: 2024-04-22. Review status: criteria provided, single submitter. Criteria: Invitae Variant Classification Sherloc (09022015). Collection method: clinical testing. Allele origin: germline.
Comment: This sequence change replaces leucine, which is neutral and non-polar, with proline, which is neutral and non-polar, at codon 1930 of the SCN1A protein (p.Leu1930Pro). This variant is not present in population databases (gnomAD no frequency). This missense change has been observed in individual(s) with clinical features of SCN1A-related conditions (Invitae). ClinVar contains an entry for this variant (Variation ID: 849526). Advanced modeling of protein sequence and biophysical properties (such as structural, functional, and spatial information, amino acid conservation, physicochemical variation, residue mobility, and thermodynamic stability) performed at Invitae indicates that this missense variant is expected to disrupt SCN1A protein function with a positive predictive value of 95%. In summary, the available evidence is currently insufficient to determine the role of this variant in disease. Therefore, it has been classified as a Variant of Uncertain Significance.

NM_001165963.4(SCN1A):c.5789T>C (p.Leu1930Pro)

Genes: SCN1A (sodium voltage-gated channel alpha subunit 1; minus strand), LOC102724058 (uncharacterized LOC102724058; plus strand). Cytogenetic location: 2q24.3.
Variant type: single nucleotide variant.
Coding change: c.5789T>C on transcript NM_001165963.4 (MANE Select); coding-DNA position 5789, T replaced by C.
Protein change: p.Leu1930Pro; replaces leucine 1930 with proline.
Molecular consequence: missense variant. On other transcripts: non-coding transcript variant (1).
Genome position (GRCh38, 1-based): chr2:165,991,486, A>G on the plus strand (T>C on the coding strand, the complement: SCN1A is on the minus strand). VCF-style: chr2-165991486-A-G. GRCh37 (hg19) VCF-style: chr2-166847996-A-G.
Other names: c.5705T>C, p.Leu1902Pro (NM_001165964.3, NM_001353957.2, NM_001353958.2); c.5789T>C, p.Leu1930Pro (NM_001202435.3, NM_001353948.2); c.5756T>C, p.Leu1919Pro (NM_001353949.2, NM_001353950.2, NM_001353951.2 and 2 more transcripts); c.5753T>C, p.Leu1918Pro (NM_001353954.2, NM_001353955.2); c.5702T>C, p.Leu1901Pro (NM_001353960.2); c.3347T>C, p.Leu1116Pro (NM_001353961.2); short protein forms L1930P, L1918P, L1116P, L1901P, L1902P, L1919P.
Identifiers: ClinVar variation 849526 (VCV000849526.10), dbSNP rs1689133956, ClinGen allele CA349063858.